The following is an entry in ClinVar:

ClinVar aggregate classification (germline): Conflicting classifications of pathogenicity. Review status: criteria provided, conflicting classifications (1 of 4 stars). 4 submissions from 4 submitters: Uncertain significance (2); Likely benign (1). 1 of the submissions does not count toward it. Last evaluated 2026-04-30.

Conditions:
Heterotopia, periventricular, X-linked dominant (PVNH1). Also called: PERIVENTRICULAR NODULAR HETEROTOPIA 1; X-linked periventricular heterotopia; PERIVENTRICULAR NODULAR HETEROTOPIA 4; HETEROTOPIA, PERIVENTRICULAR, 1. Identifiers: Orphanet 2149, Orphanet 82004, MedGen C1848213, MONDO:0010233, OMIM 300049.
Oto-palato-digital syndrome, type II (OPD2). Also called: OPD II SYNDROME; Otopalatodigital Syndrome Type 2 (FLNA-OPD2); Otopalatodigital Syndrome, Type II; FACIOPALATOOSSEOUS SYNDROME. Identifiers: Orphanet 669, Orphanet 90652, MedGen C1844696, MONDO:0010571, OMIM 304120.
Melnick-Needles syndrome (MNS). Also called: MELNICK-NEEDLES OSTEODYSPLASTY; OSTEODYSPLASTY OF MELNICK AND NEEDLES; Melnick-Needles Syndrome (FLNA-MNS). Identifiers: Orphanet 2484, MedGen C0025237, MONDO:0010650, OMIM 309350.
Frontometaphyseal dysplasia (FMD1). Identifiers: Orphanet 1826, MedGen C0265293, MONDO:0015942.
Familial thoracic aortic aneurysm and aortic dissection (TAAD). Also called: Thoracic aortic aneurysms and dissections. Identifiers: Orphanet 91387, MedGen C4707243, MONDO:0019625.

Allele frequency attached by ClinVar (database versions not stated): gnomAD exomes 0.00001 and below 0.00001; ESP Exome Variant Server 0.00020; ExAC 0.00001; gnomAD 0.00002; TOPMed 0.00002.
gnomAD v4.1: 9 of 1,210,913 alleles (0.00074%); highest among the groups gnomAD compares: Admixed American, 0.0043%; no homozygotes.

Submissions (4):

Ambry Genetics
Classification: Uncertain significance for Familial thoracic aortic aneurysm and aortic dissection. Last evaluated: 2026-04-30. Review status: criteria provided, single submitter. Criteria: Ambry Variant Classification Scheme 2023. Collection method: clinical testing. Allele origin: germline.
Comment: The p.V2572I variant (also known as c.7714G>A), located in coding exon 45 of the FLNA gene, results from a G to A substitution at nucleotide position 7714. The valine at codon 2572 is replaced by isoleucine, an amino acid with highly similar properties. This variant was reported in individual(s) with features consistent with periventricular nodular heterotopia (Lange M et al. Orphanet J Rare Dis, 2015 Oct;10:134). This amino acid position is highly conserved in available vertebrate species. In addition, the in silico prediction for this alteration is inconclusive. Based on data from gnomAD, the A allele has an overall frequency of <0.01% (1/181034) total alleles studied, with 0 hemizygote(s) observed. The highest observed frequency was <0.01% (1/27361) of Latino alleles. Based on the available evidence, the clinical significance of this variant remains unclear.

Labcorp Genetics (formerly Invitae), Labcorp
Classification: Likely benign for Oto-palato-digital syndrome, type II; Heterotopia, periventricular, X-linked dominant; Frontometaphyseal dysplasia; Melnick-Needles syndrome. Last evaluated: 2025-06-18. Review status: criteria provided, single submitter. Criteria: Invitae Variant Classification Sherloc (09022015). Collection method: clinical testing. Allele origin: germline.

GeneDx
Classification: Uncertain significance. Last evaluated: 2021-12-21. Review status: criteria provided, single submitter. Criteria: GeneDx Variant Classification Process June 2021. Collection method: clinical testing. Allele origin: germline. Affected: yes.
Comment: Has been reported as a variant of uncertain significance in a heterozygous individual with periventricular nodular heterotopia (Lange et al., 2015); In silico analysis supports that this missense variant does not alter protein structure/function; Reported in ClinVar as a variant of uncertain significance (ClinVar Variant ID# 533587; ClinVar); This variant is associated with the following publications: (PMID: 26471271)

Clinical Genomics Laboratory, Stanford Medicine
Classification: Uncertain significance for Heterotopia, periventricular, X-linked dominant. Last evaluated: 2021-06-22. Review status: no assertion criteria provided. Collection method: clinical testing. Allele origin: germline. Inheritance: X-linked inheritance. Affected: yes. Observed: 1 heterozygote. Not counted in ClinVar's aggregate classification.
Comment: It should be noted limited clinical information was available (Lange et al., 2015). This variant has been identified in 1/27361 Latino chromosomes by the Genome Aggregation Database. While this variant was present in one individual in gnomAD, this individual is female, and this variant was not observed in any males. Given the possibility of milder phenotypes as discussed above, criteria for low frequency in the general population was applied. The FLNA gene has fewer missense variants in the general population than expected. A low rate of missense variation may suggest that this gene is intolerant to missense variation. Computational tools predict that p.Val2572Ile is deleterious; however, the accuracy of in silico algorithms is limited. These data were assessed using the ACMG/AMP variant interpretation guidelines. In summary, the significance of the p.Val2572Ile variant is uncertain. Additional information is needed to resolve the significance of this variant. [ACMG evidence codes used: PM2; PP2; PP3]

Literature cited by the submitters: PubMed 26471271 (cited by Ambry Genetics).

NM_001110556.2(FLNA):c.7738G>A (p.Val2580Ile)

Genes: FLNA (filamin A; minus strand), LOC107988032 (Xq28 proximal FLNA-EMD recombination region; plus strand). Cytogenetic location: Xq28.
Variant type: single nucleotide variant.
Coding change: c.7738G>A on transcript NM_001110556.2 (MANE Select); coding-DNA position 7738, G replaced by A.
Protein change: p.Val2580Ile; replaces valine 2580 with isoleucine.
Molecular consequence: missense variant.
Genome position (GRCh38, 1-based): chrX:154,349,380, C>T on the plus strand (G>A on the coding strand, the complement: FLNA is on the minus strand). VCF-style: chrX-154349380-C-T. GRCh37 (hg19) VCF-style: chrX-153577748-C-T.
Other names: p.Val2572Ile; c.7714G>A, p.Val2572Ile (NM_001456.4); short protein forms V2580I, V2572I.
Identifiers: ClinVar variation 533587 (VCV000533587.16), dbSNP rs377518545, ClinGen allele CA10559848.